The following is an entry in ClinVar:

ClinVar aggregate classification (germline): Conflicting classifications of pathogenicity. Review status: criteria provided, conflicting classifications (1 of 4 stars). 2 submissions from 2 submitters: Uncertain significance (1); Likely benign (1). Last evaluated 2025-06-27.

Conditions:
Inborn genetic diseases. Identifiers: MedGen C0950123, MeSH D030342.

Allele frequency attached by ClinVar (database versions not stated): TOPMed below 0.00001; gnomAD 0.00001; ExAC 0.00002; gnomAD exomes 0.00002 and 0.00007; 1000 Genomes Project 30x 0.00016; 1000 Genomes Project 0.00020.

Submissions (2):

Labcorp Genetics (formerly Invitae), Labcorp
Classification: Uncertain significance. Last evaluated: 2025-06-27. Review status: criteria provided, single submitter. Criteria: Invitae Variant Classification Sherloc (09022015). Collection method: clinical testing. Allele origin: germline.
Comment: This sequence change replaces alanine, which is neutral and non-polar, with valine, which is neutral and non-polar, at codon 238 of the RORB protein (p.Ala238Val). This variant is present in population databases (rs145736840, gnomAD 0.003%). This variant has not been reported in the literature in individuals affected with RORB-related conditions. ClinVar contains an entry for this variant (Variation ID: 1449560). An algorithm developed to predict the effect of missense changes on protein structure and function (PolyPhen-2) suggests that this variant is likely to be tolerated. In summary, the available evidence is currently insufficient to determine the role of this variant in disease. Therefore, it has been classified as a Variant of Uncertain Significance.

Ambry Genetics
Classification: Likely benign for Inborn genetic diseases. Last evaluated: 2024-07-03. Review status: criteria provided, single submitter. Criteria: Ambry Variant Classification Scheme 2023. Collection method: clinical testing. Allele origin: germline.

NM_006914.4(RORB):c.713C>T (p.Ala238Val)

Gene: RORB (RAR related orphan receptor B; plus strand). Cytogenetic location: 9q21.13.
Variant type: single nucleotide variant.
Coding change: c.713C>T on transcript NM_006914.4 (MANE Select); coding-DNA position 713, C replaced by T.
Protein change: p.Ala238Val; replaces alanine 238 with valine.
Molecular consequence: missense variant.
Genome position (GRCh38, 1-based): chr9:74,660,692, C>T. VCF-style: chr9-74660692-C-T. GRCh37 (hg19) VCF-style: chr9-77275608-C-T.
Other names: c.746C>T, p.Ala249Val (NM_001365023.1); c.713C>T (NM_006914.3); short protein forms A238V, A249V.
Identifiers: ClinVar variation 1449560 (VCV001449560.9), dbSNP rs145736840, ClinGen allele CA5083427.